The following is an entry in ClinVar:

NC_000006.11:g.(?_129371053)_(129725114_?)del

Gene: LAMA2 (laminin subunit alpha 2; plus strand). Cytogenetic location: 6q22.33.
Variant type: Deletion.
Identifiers: ClinVar variation 2423060 (VCV002423060.5).

ClinVar aggregate classification (germline): Pathogenic (1 of 4 stars; one submission).

Conditions:
LAMA2-related muscular dystrophy (LAMA2-RD). Also called: Laminin alpha 2-related dystrophy. Identifiers: MedGen C5679788, MONDO:0100228.

Submission:

Labcorp Genetics (formerly Invitae), Labcorp
Classification: Pathogenic for LAMA2-related muscular dystrophy. Last evaluated: 2021-11-13. Review status: criteria provided, single submitter. Criteria: Invitae Variant Classification Sherloc (09022015). Collection method: clinical testing. Allele origin: germline.
Comment: For these reasons, this variant has been classified as Pathogenic. This variant has not been reported in the literature in individuals affected with LAMA2-related conditions. This variant is a gross deletion of the genomic region encompassing exon(s) 2-40 of the LAMA2 gene. This deletion is out-of-frame, and is expected to create a premature termination codon and result in an absent or disrupted protein product. Loss-of-function variants in LAMA2 are known to be pathogenic (PMID: 18700894, 32904964).

Literature cited by the submitters: PubMed 18700894; PubMed 32904964.